The following is an entry in ClinVar:

NM_004370.6(COL12A1):c.3271A>G (p.Arg1091Gly)

Gene: COL12A1 (collagen type XII alpha 1 chain; minus strand). Cytogenetic location: 6q13.
Variant type: single nucleotide variant.
Coding change: c.3271A>G on transcript NM_004370.6 (MANE Select); coding-DNA position 3271, A replaced by G.
Protein change: p.Arg1091Gly; replaces arginine 1091 with glycine.
Molecular consequence: missense variant. On other transcripts: intron variant (1).
Genome position (GRCh38, 1-based): chr6:75,155,834, T>C on the plus strand (A>G on the coding strand, the complement: COL12A1 is on the minus strand). VCF-style: chr6-75155834-T-C. GRCh37 (hg19) VCF-style: chr6-75865550-T-C.
Other names: c.74-3352A>G (NM_080645.3); short protein forms R1091G.
Identifiers: ClinVar variation 2125071 (VCV002125071.4), dbSNP rs2533421760, ClinGen allele CA364753041.

ClinVar aggregate classification (germline): Uncertain significance (1 of 4 stars; one submission).

Conditions:
Ullrich congenital muscular dystrophy 2 (UCMD2). Identifiers: Orphanet 75840, MedGen C4225314, MONDO:0014654, OMIM 616470.
Bethlem myopathy 2 (BTHLM2). Identifiers: Orphanet 536516, Orphanet 610, MedGen C4225313, MONDO:0034022, OMIM 616471.

Allele frequency attached by ClinVar (database versions not stated): gnomAD exomes below 0.00001.
gnomAD v4.1: 1 of 1,605,606 alleles (0.000062%); highest among the groups gnomAD compares: Non-Finnish European, 0.000085%; no homozygotes.

Submission:

Labcorp Genetics (formerly Invitae), Labcorp
Classification: Uncertain significance for Bethlem myopathy 2; Ullrich congenital muscular dystrophy 2. Last evaluated: 2022-04-12. Review status: criteria provided, single submitter. Criteria: Invitae Variant Classification Sherloc (09022015). Collection method: clinical testing. Allele origin: germline.
Comment: In summary, the available evidence is currently insufficient to determine the role of this variant in disease. Therefore, it has been classified as a Variant of Uncertain Significance. Algorithms developed to predict the effect of missense changes on protein structure and function are either unavailable or do not agree on the potential impact of this missense change (SIFT: "Deleterious"; PolyPhen-2: "Probably Damaging"; Align-GVGD: "Class C0"). This variant has not been reported in the literature in individuals affected with COL12A1-related conditions. This variant is not present in population databases (gnomAD no frequency). This sequence change replaces arginine, which is basic and polar, with glycine, which is neutral and non-polar, at codon 1091 of the COL12A1 protein (p.Arg1091Gly).